The following is an entry in ClinVar:

NM_080425.4(GNAS):c.55C>T (p.Pro19Ser)

Gene: GNAS (GNAS complex locus; plus strand). Cytogenetic location: 20q13.32.
Variant type: single nucleotide variant.
Coding change: c.55C>T on transcript NM_080425.4 (MANE Plus Clinical); coding-DNA position 55, C replaced by T.
Protein change: p.Pro19Ser; replaces proline 19 with serine.
Molecular consequence: missense variant. On other transcripts: 5 prime UTR variant (2), intron variant (3).
Genome position (GRCh38, 1-based): chr20:58,853,320, C>T. VCF-style: chr20-58853320-C-T. GRCh37 (hg19) VCF-style: chr20-57428375-C-T.
Other names: c.-133C>T (NM_001077490.3, NM_001309883.1); c.55C>T, p.Pro19Ser (NM_001410913.1); c.*42+12434C>T (NM_016592.5); c.43+12434C>T (NM_001410912.1); c.-39+11445C>T (NM_001309861.2); short protein forms P19S.
Identifiers: ClinVar variation 4987470 (VCV004987470.1).

ClinVar aggregate classification (germline): Uncertain significance (1 of 4 stars; one submission).

Conditions:
GNAS-related disorder. Identifiers: MedGen CN380105.

gnomAD v4.1: 2 of 1,550,132 alleles (0.00013%); highest among the groups gnomAD compares: Non-Finnish European, 0.00017%; no homozygotes.

Submission:

PreventionGenetics, part of Exact Sciences
Classification: Uncertain significance for GNAS-related condition. Last evaluated: 2024-11-09. Review status: criteria provided, single submitter. Criteria: ACMG Guidelines, 2015. Collection method: clinical testing. Allele origin: germline.
Comment: The GNAS c.55C>T variant is predicted to result in the amino acid substitution p.Pro19Ser. To our knowledge, this variant has not been reported in the literature. This variant is absent in a large population database (gnomAD), indicating this variant is rare. At this time, the clinical significance of this variant is uncertain due to the absence of conclusive functional and genetic evidence.